The following is an entry in ClinVar:

ClinVar aggregate classification (germline): Uncertain significance (1 of 4 stars; one submission).

gnomAD v4.1: 9 of 1,614,066 alleles (0.00056%); highest among the groups gnomAD compares: Middle Eastern, 0.016%; no homozygotes.

Submission:

GeneDx
Classification: Uncertain significance. Last evaluated: 2026-09-19. Review status: criteria provided, single submitter. Criteria: GeneDx Variant Classification Process June 2021. Collection method: clinical testing. Allele origin: germline.
Comment: Reported using an alternate transcript of the gene; Not observed at significant frequency in large population cohorts (gnomAD); In silico analysis supports that this missense variant has a deleterious effect on protein structure/function; Has not been previously published as pathogenic or benign to our knowledge

NM_005548.3(KARS1):c.1526G>A (p.Arg509Gln)

Gene: KARS1 (lysyl-tRNA synthetase 1; minus strand). Cytogenetic location: 16q23.1.
Variant type: single nucleotide variant.
Coding change: c.1526G>A on transcript NM_005548.3 (MANE Select); coding-DNA position 1526, G replaced by A.
Protein change: p.Arg509Gln; replaces arginine 509 with glutamine.
Molecular consequence: missense variant.
Genome position (GRCh38, 1-based): chr16:75,629,440, C>T on the plus strand (G>A on the coding strand, the complement: KARS1 is on the minus strand). VCF-style: chr16-75629440-C-T. GRCh37 (hg19) VCF-style: chr16-75663338-C-T.
Other names: c.1610G>A, p.Arg537Gln (NM_001130089.2); c.1058G>A, p.Arg353Gln (NM_001378148.1); short protein forms R353Q, R509Q, R537Q.
Identifiers: ClinVar variation 4074411 (VCV004074411.2).